The following is an entry in ClinVar:

NM_020338.4(ZMIZ1):c.2407C>G (p.Leu803Val)

Genes: ZMIZ1 (zinc finger MIZ-type containing 1; plus strand), LOC126860975 (CDK7 strongly-dependent group 2 enhancer GRCh37_chr10:81064163-81065362; plus strand). Cytogenetic location: 10q22.3.
Variant type: single nucleotide variant.
Coding change: c.2407C>G on transcript NM_020338.4 (MANE Select); coding-DNA position 2407, C replaced by G.
Protein change: p.Leu803Val; replaces leucine 803 with valine.
Molecular consequence: missense variant.
Genome position (GRCh38, 1-based): chr10:79,305,585, C>G. VCF-style: chr10-79305585-C-G. GRCh37 (hg19) VCF-style: chr10-81065342-C-G.
Other names: short protein forms L803V.
Identifiers: ClinVar variation 2633301 (VCV002633301.1), dbSNP rs1330083302, ClinGen allele CA377342322.

ClinVar aggregate classification (germline): Uncertain significance (1 of 4 stars; one submission).

Conditions:
ZMIZ1-related disorder. Also called: ZMIZ1-related condition.

Allele frequency attached by ClinVar (database versions not stated): TOPMed below 0.00001; gnomAD 0.00001.
gnomAD v4.1: 1 of 1,613,916 alleles (0.000062%); highest among the groups gnomAD compares: East Asian, 0.0022%; no homozygotes.

Submission:

PreventionGenetics, part of Exact Sciences
Classification: Uncertain significance for ZMIZ1-related condition. Last evaluated: 2023-05-12. Review status: criteria provided, single submitter. Criteria: ACMG Guidelines, 2015. Collection method: clinical testing. Allele origin: germline.
Comment: The ZMIZ1 c.2407C>G variant is predicted to result in the amino acid substitution p.Leu803Val. To our knowledge, this variant has not been reported in the literature or in a large population database, indicating this variant is rare. At this time, the clinical significance of this variant is uncertain due to the absence of conclusive functional and genetic evidence.